The following is an entry in ClinVar:

ClinVar aggregate classification (germline): Uncertain significance (1 of 4 stars; one submission).

Allele frequency attached by ClinVar (database versions not stated): gnomAD 0.00001; gnomAD exomes 0.00001; TOPMed 0.00001.
gnomAD v4.1: 9 of 1,551,484 alleles (0.00058%); highest among the groups gnomAD compares: African/African-American, 0.0027%; no homozygotes.

Submission:

Labcorp Genetics (formerly Invitae), Labcorp
Classification: Uncertain significance. Last evaluated: 2022-08-20. Review status: criteria provided, single submitter. Criteria: Invitae Variant Classification Sherloc (09022015). Collection method: clinical testing. Allele origin: germline.
Comment: This sequence change replaces glycine, which is neutral and non-polar, with arginine, which is basic and polar, at codon 730 of the UNC80 protein (p.Gly730Arg). This variant is present in population databases (no rsID available, gnomAD 0.001%). This variant has not been reported in the literature in individuals affected with UNC80-related conditions. Algorithms developed to predict the effect of missense changes on protein structure and function are either unavailable or do not agree on the potential impact of this missense change (SIFT: "Not Available"; PolyPhen-2: "Probably Damaging"; Align-GVGD: "Not Available"). In summary, the available evidence is currently insufficient to determine the role of this variant in disease. Therefore, it has been classified as a Variant of Uncertain Significance.

NM_001371986.1(UNC80):c.2188G>A (p.Gly730Arg)

Gene: UNC80 (unc-80 homolog, NALCN channel complex subunit; plus strand). Cytogenetic location: 2q34.
Variant type: single nucleotide variant.
Coding change: c.2188G>A on transcript NM_001371986.1 (MANE Select); coding-DNA position 2188, G replaced by A.
Protein change: p.Gly730Arg; replaces glycine 730 with arginine.
Molecular consequence: missense variant.
Genome position (GRCh38, 1-based): chr2:209,820,536, G>A. VCF-style: chr2-209820536-G-A. GRCh37 (hg19) VCF-style: chr2-210685260-G-A.
Other names: c.2188G>A, p.Gly730Arg (NM_032504.2, NM_182587.4); short protein forms G730R.
Identifiers: ClinVar variation 1906090 (VCV001906090.2), dbSNP rs1387766476, ClinGen allele CA350136852.